The following is an entry in ClinVar:

ClinVar aggregate classification (germline): Uncertain significance. Review status: criteria provided, multiple submitters, no conflicts (2 of 4 stars). 2 submissions from 2 submitters: Uncertain significance (2). Last evaluated 2025-04-10.

Allele frequency attached by ClinVar (database versions not stated): gnomAD 0.00001; gnomAD exomes 0.00001; TOPMed 0.00001; ExAC 0.00003.
gnomAD v4.1: 19 of 1,607,598 alleles (0.0012%); highest among the groups gnomAD compares: Admixed American, 0.0034%; no homozygotes.

Submissions (2):

Labcorp Genetics (formerly Invitae), Labcorp
Classification: Uncertain significance. Last evaluated: 2025-04-10. Review status: criteria provided, single submitter. Criteria: Invitae Variant Classification Sherloc (09022015). Collection method: clinical testing. Allele origin: germline.
Comment: This sequence change replaces arginine, which is basic and polar, with glycine, which is neutral and non-polar, at codon 694 of the ITSN2 protein (p.Arg694Gly). This variant is present in population databases (rs748087015, gnomAD 0.003%). This variant has not been reported in the literature in individuals affected with ITSN2-related conditions. ClinVar contains an entry for this variant (Variation ID: 2407289). Experimental studies and prediction algorithms are not available or were not evaluated, and the functional significance of this variant is currently unknown. In summary, the available evidence is currently insufficient to determine the role of this variant in disease. Therefore, it has been classified as a Variant of Uncertain Significance.

Ambry Genetics
Classification: Uncertain significance. Last evaluated: 2021-09-17. Review status: criteria provided, single submitter. Criteria: Ambry Variant Classification Scheme 2023. Collection method: clinical testing. Allele origin: germline.

NM_006277.3(ITSN2):c.2080A>G (p.Arg694Gly)

Gene: ITSN2 (intersectin 2; minus strand). Cytogenetic location: 2p23.3.
Variant type: single nucleotide variant.
Coding change: c.2080A>G on transcript NM_006277.3 (MANE Select); coding-DNA position 2080, A replaced by G.
Protein change: p.Arg694Gly; replaces arginine 694 with glycine.
Molecular consequence: missense variant.
Genome position (GRCh38, 1-based): chr2:24,275,714, T>C on the plus strand (A>G on the coding strand, the complement: ITSN2 is on the minus strand). VCF-style: chr2-24275714-T-C. GRCh37 (hg19) VCF-style: chr2-24498583-T-C.
Other names: c.2038A>G, p.Arg680Gly (NM_001348181.2); c.1999A>G, p.Arg667Gly (NM_001348182.2, NM_001348183.2, NM_001348186.2 and 1 more transcripts); c.1957A>G, p.Arg653Gly (NM_001348184.2); c.2080A>G, p.Arg694Gly (NM_001348185.2, NM_147152.3); short protein forms R653G, R667G, R680G, R694G.
Identifiers: ClinVar variation 2407289 (VCV002407289.3), dbSNP rs748087015, ClinGen allele CA1551300.